The following is an entry in ClinVar:

ClinVar aggregate classification (germline): Uncertain significance (1 of 4 stars; one submission).

Conditions:
Cardiovascular phenotype. Identifiers: MedGen CN230736.

Submission:

Ambry Genetics
Classification: Uncertain significance for Cardiovascular phenotype. Last evaluated: 2021-11-16. Review status: criteria provided, single submitter. Criteria: Ambry Variant Classification Scheme 2023. Collection method: clinical testing. Allele origin: germline.
Comment: The c.324+5G>A intronic variant results from a G to A substitution 5 nucleotides after coding exon 2 in the CRYAB gene. This nucleotide position is well conserved in available vertebrate species. In silico splice site analysis predicts that this alteration will not have any significant effect on splicing. Since supporting evidence is limited at this time, the clinical significance of this alteration remains unclear.

NM_001289808.2(CRYAB):c.324+5G>A

Gene: CRYAB (crystallin alpha B; minus strand). Cytogenetic location: 11q23.1.
Variant type: single nucleotide variant.
Coding change: c.324+5G>A on transcript NM_001289808.2 (MANE Select); 5 bases into the intron after coding-DNA position 324, G replaced by A.
Molecular consequence: intron variant.
Genome position (GRCh38, 1-based): chr11:111,910,322, C>T on the plus strand (G>A on the coding strand, the complement: CRYAB is on the minus strand). VCF-style: chr11-111910322-C-T. GRCh37 (hg19) VCF-style: chr11-111781046-C-T.
Other names: c.324+5G>A (NM_001368245.1, NM_001885.3, NM_001289807.1); c.123+5G>A (NM_001368246.1, NM_001330379.1).
Identifiers: ClinVar variation 1729294 (VCV001729294.2), dbSNP rs782691208, ClinGen allele CA382598925.